The following is an entry in ClinVar:

ClinVar aggregate classification (germline): Uncertain significance (1 of 4 stars; one submission).

Conditions:
Werner syndrome (WRN). Identifiers: Orphanet 902, MedGen C0043119, MONDO:0010196, OMIM 277700.

Allele frequency attached by ClinVar (database versions not stated): gnomAD exomes 0.00001.
gnomAD v4.1: 7 of 1,613,922 alleles (0.00043%); highest among the groups gnomAD compares: Non-Finnish European, 0.00059%; no homozygotes.

Submission:

Labcorp Genetics (formerly Invitae), Labcorp
Classification: Uncertain significance for Werner syndrome. Last evaluated: 2018-09-19. Review status: criteria provided, single submitter. Criteria: Invitae Variant Classification Sherloc (09022015). Collection method: clinical testing. Allele origin: germline.
Comment: This variant has not been reported in the literature in individuals with WRN-related disease. In summary, the available evidence is currently insufficient to determine the role of this variant in disease. Therefore, it has been classified as a Variant of Uncertain Significance. Algorithms developed to predict the effect of missense changes on protein structure and function are either unavailable or do not agree on the potential impact of this missense change (SIFT: "Deleterious"; PolyPhen-2: "Probably Damaging"; Align-GVGD: "Class C0"). This sequence change replaces leucine with proline at codon 264 of the WRN protein (p.Leu264Pro). The leucine residue is highly conserved and there is a moderate physicochemical difference between leucine and proline. This variant is not present in population databases (ExAC no frequency).

NM_000553.6(WRN):c.791T>C (p.Leu264Pro)

Gene: WRN (WRN RecQ like helicase; plus strand). Cytogenetic location: 8p12.
Variant type: single nucleotide variant.
Coding change: c.791T>C on transcript NM_000553.6 (MANE Select); coding-DNA position 791, T replaced by C.
Protein change: p.Leu264Pro; replaces leucine 264 with proline.
Molecular consequence: missense variant.
Genome position (GRCh38, 1-based): chr8:31,076,239, T>C. VCF-style: chr8-31076239-T-C. GRCh37 (hg19) VCF-style: chr8-30933755-T-C.
Other names: short protein forms L264P.
Identifiers: ClinVar variation 659064 (VCV000659064.4), dbSNP rs1585421771, ClinGen allele CA370918555.
Genomic context (GRCh38, chr8:31,076,239, plus strand): 5'-AAATCCTACTTAGCGACATGAACAAACAGTTGACTTCAATCTCTGAGGAAGTGATGGATC[T>C]GGCTAAGCATCTTCCTCATGCTTTCAGTAAATTGGAAAACCCACGGAGGTTAAATATTAC-3'
Protein context (NP_000544.2, residues 254-274): LTSISEEVMD[Leu264Pro]AKHLPHAFSK